The following is an entry in ClinVar:

ClinVar aggregate classification (germline): Benign/Likely benign. Review status: criteria provided, multiple submitters, no conflicts (2 of 4 stars). 5 submissions from 5 submitters: Benign (1); Likely benign (4). Last evaluated 2026-01-28.

Conditions:
Inborn genetic diseases. Identifiers: MedGen C0950123, MeSH D030342.
Hawkinsinuria. Identifiers: Orphanet 2118, MedGen C2931042, MONDO:0007700, OMIM 140350, HP:0034457.
Tyrosinemia type III. Also called: Tyrosinemia type 3; 4-alpha hydroxyphenylpyruvic acid oxidase deficiency; 4-alpha hydroxyphenylpyruvate dioxygenase deficiency; 4-Hydroxyphenylpyruvate dioxygenase deficiency; 4-HYDROXYPHENYLPYRUVIC ACID OXIDASE DEFICIENCY. Identifiers: Orphanet 69723, MedGen C0268623, MONDO:0010162, OMIM 276710.

Allele frequency attached by ClinVar (database versions not stated): gnomAD exomes 0.00017 and 0.00050; ExAC 0.00061; 1000 Genomes Project 30x 0.00094; 1000 Genomes Project 0.00100; gnomAD 0.00183 and 0.00201; TOPMed 0.00224; ESP Exome Variant Server 0.00284.
gnomAD v4.1: 533 of 1,612,916 alleles (0.033%); highest among the groups gnomAD compares: African/African-American, 0.63%; 4 homozygotes.

Submissions (5):

Labcorp Genetics (formerly Invitae), Labcorp
Classification: Benign for Tyrosinemia type III; Hawkinsinuria. Last evaluated: 2026-01-28. Review status: criteria provided, single submitter. Criteria: Invitae Variant Classification Sherloc (09022015). Collection method: clinical testing. Allele origin: germline.

CeGaT Center for Human Genetics Tuebingen
Classification: Likely benign. Last evaluated: 2022-12-01. Review status: criteria provided, single submitter. Criteria: CeGaT Center For Human Genetics Tuebingen Variant Classification Criteria Version 2. Collection method: clinical testing. Allele origin: germline. Affected: yes. Observed: 1 variant allele.
Comment: HPD: BP4, BS2

Ambry Genetics
Classification: Likely benign for Inborn genetic diseases. Last evaluated: 2022-04-25. Review status: criteria provided, single submitter. Criteria: Ambry Variant Classification Scheme 2023. Collection method: clinical testing. Allele origin: germline.

GeneDx
Classification: Likely benign. Last evaluated: 2020-10-21. Review status: criteria provided, single submitter. Criteria: GeneDx Variant Classification Process June 2021. Collection method: clinical testing. Allele origin: germline. Affected: yes.

Breakthrough Genomics
Classification: Likely benign. Review status: criteria provided, single submitter. Criteria: ACMG Guidelines, 2015. Collection method: not provided. Allele origin: germline. Inheritance: Autosomal recessive inheritance. Affected: yes.

NM_002150.3(HPD):c.499G>A (p.Asp167Asn)

Genes: HPD (4-hydroxyphenylpyruvate dioxygenase; minus strand), TIALD (transcript inducer of AURKA lysosomal degradation; plus strand). Cytogenetic location: 12q24.31.
Variant type: single nucleotide variant.
Coding change: c.499G>A on transcript NM_002150.3 (MANE Select); coding-DNA position 499, G replaced by A.
Protein change: p.Asp167Asn; replaces aspartic acid 167 with asparagine.
Molecular consequence: missense variant.
Genome position (GRCh38, 1-based): chr12:121,849,706, C>T on the plus strand (G>A on the coding strand, the complement: HPD is on the minus strand). VCF-style: chr12-121849706-C-T. GRCh37 (hg19) VCF-style: chr12-122287612-C-T.
Other names: c.382G>A, p.Asp128Asn (NM_001171993.2); short protein forms D128N, D167N.
Identifiers: ClinVar variation 513314 (VCV000513314.40), dbSNP rs74820788, ClinGen allele CA6839637.